The following is an entry in ClinVar:

ClinVar aggregate classification (germline): Likely pathogenic (1 of 4 stars; one submission).

Conditions:
Thin upper lip vermilion. Identifiers: MedGen C1865017, HP:0000219.
Almond-shaped palpebral fissure. Identifiers: MedGen C4024780, HP:0007874.
Global developmental delay (DD). Also called: Cognitive delay. Identifiers: MedGen C0557874, HP:0001263. Disease mechanism: loss of function.

Submission:

CGC Genetics, Unilabs
Classification: Likely pathogenic for Global developmental delay; Almond-shaped palpebral fissure; Thin upper lip vermilion. Last evaluated: 2025-11-15. Review status: criteria provided, single submitter. Criteria: ACMG Guidelines, 2015. Collection method: clinical testing. Allele origin: germline. Inheritance: Autosomal dominant inheritance. Affected: yes.
Comment: The NM_014974.3:c.1145_1148del p.(Asp382Glyfs*45) variant, detected in heterozygosity in the DIP2C gene, has not been reported in the literature or in the gnomAD/ClinVar databases. This is a frameshift variant located in exon 9 (of 37), introducing a premature stop codon that is predicted to result in a truncated protein and/or reduced gene expression due to mRNA degradation. Based on the currently available information, this variant should be classified as likely pathogenic. At the time of this submission, the DIP2C gene does not yet have a defined OMIM clinical entity. However, de novo loss-of-function variants have recently been described in patients with developmental delay (PMID: 38421105).

Literature cited by the submitters: PubMed 38421105.

NM_014974.3(DIP2C):c.1145_1148del (p.Asp382fs)

Gene: DIP2C (DIP2 acetate--CoA ligase C (putative); minus strand). Cytogenetic location: 10p15.3.
Variant type: Deletion.
Coding change: c.1145_1148del on transcript NM_014974.3 (MANE Select); coding-DNA positions 1145 to 1148, 4 bases deleted (ATAG; older notation c.1145_1148delATAG).
Protein change: p.Asp382fs; shifts the reading frame from aspartic acid 382.
Molecular consequence: frameshift variant.
Genome position (GRCh38, 1-based): chr10:408,927-408,930, CTAT deleted on the plus strand (ATAG on the coding strand, the reverse complement: DIP2C is on the minus strand); deleting any 4 consecutive bases within chr10:408,927-408,932 gives the same sequence; the c. name uses the placement nearest the transcript's 3' end. VCF-style (leftmost placement, unchanged base first): chr10-408926-CCTAT-C. GRCh37 (hg19) VCF-style: chr10-454866-CCTAT-C.
Other names: short protein forms D382fs.
Identifiers: ClinVar variation 4851595 (VCV004851595.1).